The following is an entry in ClinVar:

NM_152564.5(VPS13B):c.11236del (p.Asp3746fs)

Gene: VPS13B (vacuolar protein sorting 13 homolog B; plus strand). Cytogenetic location: 8q22.2.
Variant type: Deletion.
Coding change: c.11236del on transcript NM_152564.5 (MANE Select); coding-DNA position 11236, one base deleted (G; older notation c.11236delG).
Protein change: p.Asp3746fs; shifts the reading frame from aspartic acid 3746.
Molecular consequence: frameshift variant.
Genome position (GRCh38, 1-based): chr8:99,868,309, G deleted. VCF-style (leftmost placement, unchanged base first): chr8-99868308-TG-T. GRCh37 (hg19) VCF-style: chr8-100880536-TG-T.
Other names: c.11311del, p.Asp3771fs (NM_017890.5); c.11311delG (NM_017890.4); c.11236delG (NM_152564.5); short protein forms D3746fs, D3771fs.
Identifiers: ClinVar variation 550889 (VCV000550889.12), dbSNP rs1347701279, ClinGen allele CA658821917.

ClinVar aggregate classification (germline): Pathogenic/Likely pathogenic. Review status: criteria provided, multiple submitters, no conflicts (2 of 4 stars). 5 submissions from 5 submitters: Pathogenic (1); Likely pathogenic (3). 1 of the submissions does not count toward it. Last evaluated 2023-10-15.

Conditions:
VPS13B-related disorder. Also called: VPS13B-related condition.
Cohen syndrome (COH1). Also called: PEPPER SYNDROME; Cutis verticis gyrata, retinitis pigmentosa, and sensorineural deafness. Identifiers: Orphanet 193, MedGen C0265223, MONDO:0008999, OMIM 216550.

Allele frequency attached by ClinVar (database versions not stated): TOPMed below 0.00001.

Submissions (5):

Labcorp Genetics (formerly Invitae), Labcorp
Classification: Pathogenic for Cohen syndrome. Last evaluated: 2023-10-15. Review status: criteria provided, single submitter. Criteria: Invitae Variant Classification Sherloc (09022015). Collection method: clinical testing. Allele origin: germline.
Comment: This sequence change creates a premature translational stop signal (p.Asp3771Ilefs*107) in the VPS13B gene. It is expected to result in an absent or disrupted protein product. Loss-of-function variants in VPS13B are known to be pathogenic (PMID: 15141358, 16648375, 20461111). This variant is not present in population databases (gnomAD no frequency). This variant has not been reported in the literature in individuals affected with VPS13B-related conditions. ClinVar contains an entry for this variant (Variation ID: 550889). For these reasons, this variant has been classified as Pathogenic.

Department of Pathology and Laboratory Medicine, Sinai Health System
Classification: Likely pathogenic for Cohen syndrome. Last evaluated: 2022-05-05. Review status: criteria provided, single submitter. Criteria: ACMG Guidelines, 2015. Collection method: research. Allele origin: germline.

Laboratorio de Genetica e Diagnostico Molecular, Hospital Israelita Albert Einstein
Classification: Likely pathogenic. Last evaluated: 2021-11-29. Review status: criteria provided, single submitter. Criteria: ACMG Guidelines, 2015. Collection method: clinical testing. Allele origin: germline. Affected: yes.
Comment: ACMG classification criteria: PVS1, PM2

Blueprint Genetics
Classification: Likely pathogenic for VPS13B-related disorders. Last evaluated: 2019-09-21. Review status: criteria provided, single submitter. Criteria: ACMG Guidelines, 2015. Collection method: clinical testing. Allele origin: germline. Affected: yes. Observed: 1 variant allele.

Counsyl
Classification: Likely pathogenic for Cohen syndrome. Last evaluated: 2017-02-27. Review status: no assertion criteria provided. Collection method: clinical testing. Allele origin: unknown. Not counted in ClinVar's aggregate classification.

Literature cited by the submitters: PubMed 15141358 (cited by Labcorp Genetics (formerly Invitae), Labcorp); PubMed 16648375 (cited by Labcorp Genetics (formerly Invitae), Labcorp); PubMed 20461111 (cited by Labcorp Genetics (formerly Invitae), Labcorp).